The following is an entry in ClinVar:

ClinVar aggregate classification (germline): Uncertain significance (1 of 4 stars; one submission).

Conditions:
Combined oxidative phosphorylation defect type 27. Also called: Combined oxidative phosphorylation deficiency 27. Identifiers: Orphanet 477774, MedGen C5567608, MONDO:0014728, OMIM 616672.

Submission:

Labcorp Genetics (formerly Invitae), Labcorp
Classification: Uncertain significance for Combined oxidative phosphorylation defect type 27. Last evaluated: 2022-09-07. Review status: criteria provided, single submitter. Criteria: Invitae Variant Classification Sherloc (09022015). Collection method: clinical testing. Allele origin: germline.
Comment: This variant is a gross deletion of the genomic region encompassing exon(s) 3 of the CARS2 gene. This deletion is out-of-frame, and is expected to create a premature translational stop signal and result in an absent or disrupted protein product. However, the current clinical and genetic evidence is not sufficient to establish whether loss-of-function variants in CARS2 cause disease. This variant has not been reported in the literature in individuals affected with CARS2-related conditions. In summary, the available evidence is currently insufficient to determine the role of this variant in disease. Therefore, it has been classified as a Variant of Uncertain Significance.

NC_000013.10:g.(?_111353765)_(111353922_?)del

Gene: CARS2 (cysteinyl-tRNA synthetase 2, mitochondrial; minus strand). Cytogenetic location: 13q34.
Variant type: Deletion.
Identifiers: ClinVar variation 1412414 (VCV001412414.4).